The following is an entry in ClinVar:

NM_006445.4(PRPF8):c.5186C>A (p.Ala1729Asp)

Gene: PRPF8 (pre-mRNA processing factor 8; minus strand). Cytogenetic location: 17p13.3.
Variant type: single nucleotide variant.
Coding change: c.5186C>A on transcript NM_006445.4 (MANE Select); coding-DNA position 5186, C replaced by A.
Protein change: p.Ala1729Asp; replaces alanine 1729 with aspartic acid.
Molecular consequence: missense variant.
Genome position (GRCh38, 1-based): chr17:1,658,716, G>T on the plus strand (C>A on the coding strand, the complement: PRPF8 is on the minus strand). VCF-style: chr17-1658716-G-T. GRCh37 (hg19) VCF-style: chr17-1562010-G-T.
Other names: short protein forms A1729D.
Identifiers: ClinVar variation 1314390 (VCV001314390.2), dbSNP rs2151114664, ClinGen allele CA397573301.
Genomic context (GRCh38, chr17:1,658,716, plus strand): 5'-TTGCGGATCCGTTCACGTAACACATACAGGGCAGGGTTTGCCTTCATGATCTTGGCCATG[G>T]CCTGTTGTATGAGAGGCTTGCTGCCTGGGAACCAGTTTCCATAGGCACTGTGAGGATAAA-3'
Protein context (NP_006436.3, residues 1719-1739): FPGSKPLIQQ[Ala1729Asp]MAKIMKANPA

ClinVar aggregate classification (germline): Uncertain significance (1 of 4 stars; one submission).

Submission:

GeneDx
Classification: Uncertain significance. Last evaluated: 2021-04-07. Review status: criteria provided, single submitter. Criteria: GeneDx Variant Classification Process June 2021. Collection method: clinical testing. Allele origin: germline. Affected: yes.
Comment: Not observed in large population cohorts (Lek et al., 2016); In silico analysis supports that this missense variant has a deleterious effect on protein structure/function; Has not been previously published as pathogenic or benign to our knowledge